The following is an entry in ClinVar:

NM_000454.5(SOD1):c.-3G>A

Genes: SOD1 (superoxide dismutase 1; plus strand), SOD1-DT (SOD1 divergent transcript; minus strand). Cytogenetic location: 21q22.11.
Variant type: single nucleotide variant.
Coding change: c.-3G>A on transcript NM_000454.5 (MANE Select); 3 bases upstream of the start codon, G replaced by A.
Molecular consequence: 5 prime UTR variant. On other transcripts: non-coding transcript variant (1).
Genome position (GRCh38, 1-based): chr21:31,659,767, G>A. VCF-style: chr21-31659767-G-A. GRCh37 (hg19) VCF-style: chr21-33032080-G-A.
Identifiers: ClinVar variation 3054990 (VCV003054990.2), dbSNP rs1029532112, ClinGen allele CA319330712.

ClinVar aggregate classification (germline): Likely benign (0 of 4 stars; one submission).

Conditions:
SOD1-related disorder. Also called: SOD1-related condition.

Allele frequency attached by ClinVar (database versions not stated): gnomAD 0.00001; TOPMed 0.00002; gnomAD exomes 0.00004.

Submission:

PreventionGenetics, part of Exact Sciences
Classification: Likely benign for SOD1-related condition. Last evaluated: 2023-10-11. Review status: no assertion criteria provided. Collection method: clinical testing. Allele origin: germline.
Comment: This variant is classified as likely benign based on ACMG/AMP sequence variant interpretation guidelines (Richards et al. 2015 PMID: 25741868, with internal and published modifications).